The following is an entry in ClinVar:

NM_001048174.2(MUTYH):c.1375T>G (p.Ser459Ala)

Gene: MUTYH (mutY DNA glycosylase; minus strand). Cytogenetic location: 1p34.1.
Variant type: single nucleotide variant.
Coding change: c.1375T>G on transcript NM_001048174.2 (MANE Select); coding-DNA position 1375, T replaced by G.
Protein change: p.Ser459Ala; replaces serine 459 with alanine.
Molecular consequence: missense variant. On other transcripts: non-coding transcript variant (7).
Genome position (GRCh38, 1-based): chr1:45,331,199, A>C on the plus strand (T>G on the coding strand, the complement: MUTYH is on the minus strand). VCF-style: chr1-45331199-A-C. GRCh37 (hg19) VCF-style: chr1-45796871-A-C.
Other names: c.1375T>G, p.Ser459Ala (NM_001048171.2, NM_001048173.2, NM_001407081.1 and 6 more transcripts); c.1378T>G, p.Ser460Ala (NM_001048172.2, NM_001407078.1, NM_001407086.1 and 1 more transcripts); c.1459T>G, p.Ser487Ala (NM_001128425.2); c.1420T>G, p.Ser474Ala (NM_001293190.2); c.1408T>G, p.Ser470Ala (NM_001293191.2, NM_001407077.1, NM_001407069.1); c.1099T>G, p.Ser367Ala (NM_001293192.2, NM_001293196.2, NM_001407091.1); c.1336T>G, p.Ser446Ala (NM_001407079.1); c.1333T>G, p.Ser445Ala (NM_001407080.1); and 5 more; short protein forms S344A, S431A, S367A, S445A, S459A, S470A, S474A, S484A.
Identifiers: ClinVar variation 4113261 (VCV004113261.1).

ClinVar aggregate classification (germline): Uncertain significance (1 of 4 stars; one submission).

Conditions:
Hereditary cancer-predisposing syndrome. Also called: Tumor predisposition; Neoplastic Syndromes, Hereditary; Hereditary neoplastic syndrome; Hereditary Cancer Syndrome. Identifiers: Orphanet 140162, MedGen C0027672, MeSH D009386, MONDO:0015356.

Submission:

Ambry Genetics
Classification: Uncertain significance for Hereditary cancer-predisposing syndrome. Last evaluated: 2025-08-27. Review status: criteria provided, single submitter. Criteria: Ambry Variant Classification Scheme 2023. Collection method: clinical testing. Allele origin: germline.
Comment: The p.S487A variant (also known as c.1459T>G), located in coding exon 14 of the MUTYH gene, results from a T to G substitution at nucleotide position 1459. The serine at codon 487 is replaced by alanine, an amino acid with similar properties. This amino acid position is conserved. In addition, the in silico prediction for this alteration is inconclusive. Based on the available evidence, the clinical significance of this variant remains unclear.